The following is an entry in ClinVar:

NM_001385125.1(OPN1SW):c.386G>A (p.Arg129His)

Gene: OPN1SW (opsin 1, short wave sensitive; minus strand). Cytogenetic location: 7q32.1.
Variant type: single nucleotide variant.
Coding change: c.386G>A on transcript NM_001385125.1 (MANE Select); coding-DNA position 386, G replaced by A.
Protein change: p.Arg129His; replaces arginine 129 with histidine.
Molecular consequence: missense variant.
Genome position (GRCh38, 1-based): chr7:128,775,112, C>T on the plus strand (G>A on the coding strand, the complement: OPN1SW is on the minus strand). VCF-style: chr7-128775112-C-T. GRCh37 (hg19) VCF-style: chr7-128415166-C-T.
Other names: NM_001708.2:c.395G>A; short protein forms R129H.
Identifiers: ClinVar variation 1008216 (VCV001008216.7), dbSNP rs201376061, ClinGen allele CA4472954.
Genomic context (GRCh38, chr7:128,775,112, plus strand): 5'-GTCAGTGCATGCTTGGAGCTGAAGCGGAAGTTGCCGAAGGGCTTACAGATGACAATGTAG[C>T]GCTCAAAGGCCAGGAAGGCCAGTGACCATCCTGTAACCAGACCTGTGGTGAAATGTGAGG-3'
Protein context (NP_001372054.1, residues 119-139): GWSLAFLAFE[Arg129His]YIVICKPFGN

ClinVar aggregate classification (germline): Uncertain significance. Review status: criteria provided, multiple submitters, no conflicts (2 of 4 stars). 2 submissions from 2 submitters: Uncertain significance (2). Last evaluated 2024-11-11.

Allele frequency attached by ClinVar (database versions not stated): gnomAD 0.00007 and 0.00008; gnomAD exomes 0.00008 and 0.00010; TOPMed 0.00008; ExAC 0.00010; ESP Exome Variant Server 0.00015.

Submissions (2):

Labcorp Genetics (formerly Invitae), Labcorp
Classification: Uncertain significance. Last evaluated: 2024-11-11. Review status: criteria provided, single submitter. Criteria: Invitae Variant Classification Sherloc (09022015). Collection method: clinical testing. Allele origin: germline.
Comment: This sequence change replaces arginine, which is basic and polar, with histidine, which is basic and polar, at codon 132 of the OPN1SW protein (p.Arg132His). This variant is present in population databases (rs201376061, gnomAD 0.02%). This variant has not been reported in the literature in individuals affected with OPN1SW-related conditions. ClinVar contains an entry for this variant (Variation ID: 1008216). Invitae Evidence Modeling of protein sequence and biophysical properties (such as structural, functional, and spatial information, amino acid conservation, physicochemical variation, residue mobility, and thermodynamic stability) indicates that this missense variant is expected to disrupt OPN1SW protein function with a positive predictive value of 95%. In summary, the available evidence is currently insufficient to determine the role of this variant in disease. Therefore, it has been classified as a Variant of Uncertain Significance.

Ambry Genetics
Classification: Uncertain significance. Last evaluated: 2024-02-12. Review status: criteria provided, single submitter. Criteria: Ambry Variant Classification Scheme 2023. Collection method: clinical testing. Allele origin: germline.